The following is an entry in ClinVar:

ClinVar aggregate classification (germline): Uncertain significance. Review status: criteria provided, multiple submitters, no conflicts (2 of 4 stars). 2 submissions from 2 submitters: Uncertain significance (2). Last evaluated 2023-06-03.

Conditions:
Hereditary cancer-predisposing syndrome. Also called: Neoplastic Syndromes, Hereditary; Hereditary neoplastic syndrome; Tumor predisposition; Hereditary Cancer Syndrome. Identifiers: Orphanet 140162, MedGen C0027672, MeSH D009386, MONDO:0015356.
Haddad syndrome (OHD). Also called: Ondine-Hirschsprung disease. Identifiers: Orphanet 99803, MedGen C1859049, MONDO:0020493.

Allele frequency attached by ClinVar (database versions not stated): TOPMed below 0.00001; gnomAD 0.00001.

Submissions (2):

Ambry Genetics
Classification: Uncertain significance for Hereditary cancer-predisposing syndrome. Last evaluated: 2023-06-03. Review status: criteria provided, single submitter. Criteria: Ambry Variant Classification Scheme 2023. Collection method: clinical testing. Allele origin: germline.
Comment: The p.A244E variant (also known as c.731C>A), located in coding exon 3 of the PHOX2B gene, results from a C to A substitution at nucleotide position 731. The alanine at codon 244 is replaced by glutamic acid, an amino acid with dissimilar properties. This amino acid position is conserved. In addition, this alteration is predicted to be tolerated by in silico analysis. Since supporting evidence is limited at this time, the clinical significance of this alteration remains unclear.

Labcorp Genetics (formerly Invitae), Labcorp
Classification: Uncertain significance for Haddad syndrome. Last evaluated: 2021-12-04. Review status: criteria provided, single submitter. Criteria: Invitae Variant Classification Sherloc (09022015). Collection method: clinical testing. Allele origin: germline.
Comment: Algorithms developed to predict the effect of missense changes on protein structure and function are either unavailable or do not agree on the potential impact of this missense change (SIFT: "Tolerated"; PolyPhen-2: "Not Available"; Align-GVGD: "Class C0"). This variant has not been reported in the literature in individuals affected with PHOX2B-related conditions. This variant is not present in population databases (gnomAD no frequency). This sequence change replaces alanine, which is neutral and non-polar, with glutamic acid, which is acidic and polar, at codon 244 of the PHOX2B protein (p.Ala244Glu). In summary, the available evidence is currently insufficient to determine the role of this variant in disease. Therefore, it has been classified as a Variant of Uncertain Significance.

NM_003924.4(PHOX2B):c.731C>A (p.Ala244Glu)

Genes: PHOX2B (paired like homeobox 2B; minus strand), LOC110011216 (paired like homeobox 2b polyalanine repeat instability region; plus strand). Cytogenetic location: 4p13.
Variant type: single nucleotide variant.
Coding change: c.731C>A on transcript NM_003924.4 (MANE Select); coding-DNA position 731, C replaced by A.
Protein change: p.Ala244Glu; replaces alanine 244 with glutamic acid.
Molecular consequence: missense variant.
Genome position (GRCh38, 1-based): chr4:41,746,021, G>T on the plus strand (C>A on the coding strand, the complement: PHOX2B is on the minus strand). VCF-style: chr4-41746021-G-T. GRCh37 (hg19) VCF-style: chr4-41748038-G-T.
Other names: c.731C>A (NM_003924.3); short protein forms A244E.
Identifiers: ClinVar variation 1395048 (VCV001395048.7), dbSNP rs1191194818, ClinGen allele CA356737240.
Genomic context (GRCh38, chr4:41,746,021, plus strand): 5'-GCCAGGCCTCCAGCTGCCGCCGCTGCCGCTGCCGCCGCCGCCGCTGCCGCGGCCGCCGCC[G>T]CTGCTGCTGCGCCGCCCTTGCCGGGTTCGCCTCCCGGGCCCCCGGGCCCCGCCGCCCCCG-3'
Protein context (NP_003915.2, residues 234-254): GEPGKGGAAA[Ala244Glu]AAAAAAAAAA